The following is an entry in ClinVar:

ClinVar aggregate classification (germline): Uncertain significance (1 of 4 stars; one submission).

Conditions:
Hereditary nonpolyposis colorectal neoplasms. Identifiers: MedGen C0009405, MeSH D003123.

Submission:

Labcorp Genetics (formerly Invitae), Labcorp
Classification: Uncertain significance for Hereditary nonpolyposis colorectal neoplasms. Last evaluated: 2023-11-10. Review status: criteria provided, single submitter. Criteria: Invitae Variant Classification Sherloc (09022015). Collection method: clinical testing. Allele origin: germline.
Comment: This sequence change replaces glutamic acid, which is acidic and polar, with lysine, which is basic and polar, at codon 5 of the PMS2 protein (p.Glu5Lys). This variant is not present in population databases (gnomAD no frequency). This variant has not been reported in the literature in individuals affected with PMS2-related conditions. ClinVar contains an entry for this variant (Variation ID: 1041032). Advanced modeling of protein sequence and biophysical properties (such as structural, functional, and spatial information, amino acid conservation, physicochemical variation, residue mobility, and thermodynamic stability) performed at Invitae indicates that this missense variant is not expected to disrupt PMS2 protein function with a negative predictive value of 95%. In summary, the available evidence is currently insufficient to determine the role of this variant in disease. Therefore, it has been classified as a Variant of Uncertain Significance.

NM_000535.7(PMS2):c.13G>A (p.Glu5Lys)

Gene: PMS2 (PMS1 homolog 2, mismatch repair system component; minus strand). Cytogenetic location: 7p22.1.
Variant type: single nucleotide variant.
Coding change: c.13G>A on transcript NM_000535.7 (MANE Select); coding-DNA position 13, G replaced by A.
Protein change: p.Glu5Lys; replaces glutamic acid 5 with lysine.
Molecular consequence: missense variant. On other transcripts: 5 prime UTR variant (11), non-coding transcript variant (1).
Genome position (GRCh38, 1-based): chr7:6,009,007, C>T on the plus strand (G>A on the coding strand, the complement: PMS2 is on the minus strand). VCF-style: chr7-6009007-C-T. GRCh37 (hg19) VCF-style: chr7-6048638-C-T.
Other names: c.-388G>A (NM_001322003.2, NM_001322013.2); c.-253G>A (NM_001322004.2, NM_001322010.2); c.-583G>A (NM_001322005.2); c.13G>A, p.Glu5Lys (NM_001322006.2, NM_001322014.2); c.-203G>A (NM_001322007.2); c.-63G>A (NM_001322008.2); c.-578G>A (NM_001322009.2); c.-872G>A (NM_001322011.2); and 2 more; short protein forms E5K.
Identifiers: ClinVar variation 1041032 (VCV001041032.8), dbSNP rs372539944, ClinGen allele CA366745237.